The following is an entry in ClinVar:

ClinVar aggregate classification (germline): Uncertain significance (1 of 4 stars; one submission).

Submission:

GeneDx
Classification: Uncertain significance. Last evaluated: 2024-12-04. Review status: criteria provided, single submitter. Criteria: GeneDx Variant Classification Process June 2021. Collection method: clinical testing. Allele origin: germline. Affected: yes.
Comment: Not observed at significant frequency in large population cohorts (gnomAD); In silico analysis indicates that this missense variant does not alter protein structure/function; In silico analysis supports a deleterious effect on splicing; Has not been previously published as pathogenic or benign to our knowledge

NM_000490.5(AVP):c.272C>T (p.Ala91Val)

Gene: AVP (arginine vasopressin; minus strand). Cytogenetic location: 20p13.
Variant type: single nucleotide variant.
Coding change: c.272C>T on transcript NM_000490.5 (MANE Select); coding-DNA position 272, C replaced by T.
Protein change: p.Ala91Val; replaces alanine 91 with valine.
Molecular consequence: missense variant.
Genome position (GRCh38, 1-based): chr20:3,083,027, G>A on the plus strand (C>T on the coding strand, the complement: AVP is on the minus strand). VCF-style: chr20-3083027-G-A. GRCh37 (hg19) VCF-style: chr20-3063673-G-A.
Other names: short protein forms A91V.
Identifiers: ClinVar variation 3901384 (VCV003901384.1).